The following is an entry in ClinVar:

NM_182692.3(SRPK2):c.1728G>A (p.Ala576=)

Gene: SRPK2 (SRSF protein kinase 2; minus strand). Cytogenetic location: 7q22.3.
Variant type: single nucleotide variant.
Coding change: c.1728G>A on transcript NM_182692.3 (MANE Select); coding-DNA position 1728, G replaced by A.
Protein change: p.Ala576=; no amino-acid change (alanine 576 retained).
Molecular consequence: synonymous variant.
Genome position (GRCh38, 1-based): chr7:105,132,815, C>T on the plus strand (G>A on the coding strand, the complement: SRPK2 is on the minus strand). VCF-style: chr7-105132815-C-T. GRCh37 (hg19) VCF-style: chr7-104773262-C-T.
Other names: c.1695G>A, p.Ala565= (NM_001278273.2, NM_001350738.2, NM_001350739.2 and 3 more transcripts); c.1839G>A, p.Ala613= (NM_001350740.2); c.1728G>A, p.Ala576= (NM_001350741.2); c.1806G>A, p.Ala602= (NM_001350742.2, NM_001350746.2); c.1557G>A, p.Ala519= (NM_001350745.2).
Identifiers: ClinVar variation 3049529 (VCV003049529.2), dbSNP rs56172322, ClinGen allele CA4425163.

ClinVar aggregate classification (germline): Likely benign (0 of 4 stars; one submission).

Conditions:
SRPK2-related disorder. Also called: SRPK2-related condition.

Allele frequency attached by ClinVar (database versions not stated): ESP Exome Variant Server 0.00015; gnomAD exomes 0.00021; gnomAD 0.00022; TOPMed 0.00028; ExAC 0.00057; 1000 Genomes Project 30x 0.00109; 1000 Genomes Project 0.00120.
gnomAD v4.1: 341 of 1,609,614 alleles (0.021%); highest among the groups gnomAD compares: East Asian, 0.34%; 1 homozygote.

Submission:

PreventionGenetics, part of Exact Sciences
Classification: Likely benign for SRPK2-related condition. Last evaluated: 2019-07-12. Review status: no assertion criteria provided. Collection method: clinical testing. Allele origin: germline.
Comment: This variant is classified as likely benign based on ACMG/AMP sequence variant interpretation guidelines (Richards et al. 2015 PMID: 25741868, with internal and published modifications).